The following is an entry in ClinVar:

ClinVar aggregate classification (germline): Likely pathogenic. Review status: criteria provided, multiple submitters, no conflicts (2 of 4 stars). 2 submissions from 2 submitters: Likely pathogenic (2). Last evaluated 2026-07-06.

Conditions:
Early-infantile DEE. Also called: Early infantile epileptic encephalopathy; Ohtahara syndrome; Early infantile epileptic encephalopathy with suppression bursts. Identifiers: Orphanet 1934, MedGen C0393706, MONDO:0800491.

Submissions (2):

GeneDx
Classification: Likely pathogenic. Last evaluated: 2026-07-06. Review status: criteria provided, single submitter. Criteria: GeneDx Variant Classification Process June 2021. Collection method: clinical testing. Allele origin: germline.
Comment: Not observed at significant frequency in large population cohorts (gnomAD); This substitution is predicted to be within the extracellular loop between the S5 and S6 transmembrane segments of the first homologous domain; In silico analysis supports that this missense variant has a deleterious effect on protein structure/function; Has not been previously published as pathogenic or benign to our knowledge; This variant is associated with the following publications: (PMID: 17347258, 31765958)

Labcorp Genetics (formerly Invitae), Labcorp
Classification: Likely pathogenic for Early-infantile DEE. Last evaluated: 2022-10-03. Review status: criteria provided, single submitter. Criteria: Invitae Variant Classification Sherloc (09022015). Collection method: clinical testing. Allele origin: germline.
Comment: Advanced modeling of protein sequence and biophysical properties (such as structural, functional, and spatial information, amino acid conservation, physicochemical variation, residue mobility, and thermodynamic stability) performed at Invitae indicates that this missense variant is expected to disrupt SCN1A protein function. This missense change has been observed in individual(s) with SCN1A-related conditions (Invitae). This variant is not present in population databases (gnomAD no frequency). This sequence change replaces alanine, which is neutral and non-polar, with glycine, which is neutral and non-polar, at codon 395 of the SCN1A protein (p.Ala395Gly). This variant disrupts the p.Ala395 amino acid residue in SCN1A. Other variant(s) that disrupt this residue have been determined to be pathogenic (PMID: 31765958). This suggests that this residue is clinically significant, and that variants that disrupt this residue are likely to be disease-causing. In summary, the currently available evidence indicates that the variant is pathogenic, but additional data are needed to prove that conclusively. Therefore, this variant has been classified as Likely Pathogenic.

Literature cited by the submitters: PubMed 31765958 (cited by Labcorp Genetics (formerly Invitae), Labcorp).

NM_001165963.4(SCN1A):c.1184C>G (p.Ala395Gly)

Gene: SCN1A (sodium voltage-gated channel alpha subunit 1; minus strand). Cytogenetic location: 2q24.3.
Variant type: single nucleotide variant.
Coding change: c.1184C>G on transcript NM_001165963.4 (MANE Select); coding-DNA position 1184, C replaced by G.
Protein change: p.Ala395Gly; replaces alanine 395 with glycine.
Molecular consequence: missense variant. On other transcripts: 5 prime UTR variant (1), non-coding transcript variant (1).
Genome position (GRCh38, 1-based): chr2:166,046,963, G>C on the plus strand (C>G on the coding strand, the complement: SCN1A is on the minus strand). VCF-style: chr2-166046963-G-C. GRCh37 (hg19) VCF-style: chr2-166903473-G-C.
Other names: c.1184C>G (NM_001165963.1); c.1184C>G, p.Ala395Gly (NM_001165964.3, NM_001202435.3, NM_001353948.2 and 10 more transcripts); c.-1242C>G (NM_001353961.2); short protein forms A395G.
Identifiers: ClinVar variation 1986502 (VCV001986502.7), dbSNP rs759121197, ClinGen allele CA349071027.